The following is an entry in ClinVar:

NM_004525.3(LRP2):c.2318C>A (p.Thr773Lys)

Gene: LRP2 (LDL receptor related protein 2; minus strand). Cytogenetic location: 2q31.1.
Variant type: single nucleotide variant.
Coding change: c.2318C>A on transcript NM_004525.3 (MANE Select); coding-DNA position 2318, C replaced by A.
Protein change: p.Thr773Lys; replaces threonine 773 with lysine.
Molecular consequence: missense variant.
Genome position (GRCh38, 1-based): chr2:169,270,906, G>T on the plus strand (C>A on the coding strand, the complement: LRP2 is on the minus strand). VCF-style: chr2-169270906-G-T. GRCh37 (hg19) VCF-style: chr2-170127416-G-T.
Other names: short protein forms T773K.
Identifiers: ClinVar variation 1998881 (VCV001998881.4), dbSNP rs2528481242, ClinGen allele CA349161370.

ClinVar aggregate classification (germline): Uncertain significance (1 of 4 stars; one submission).

Submission:

Labcorp Genetics (formerly Invitae), Labcorp
Classification: Uncertain significance. Last evaluated: 2022-05-25. Review status: criteria provided, single submitter. Criteria: Invitae Variant Classification Sherloc (09022015). Collection method: clinical testing. Allele origin: germline.
Comment: In summary, the available evidence is currently insufficient to determine the role of this variant in disease. Therefore, it has been classified as a Variant of Uncertain Significance. Algorithms developed to predict the effect of missense changes on protein structure and function are either unavailable or do not agree on the potential impact of this missense change (SIFT: "Deleterious"; PolyPhen-2: "Possibly Damaging"; Align-GVGD: "Class C0"). This variant has not been reported in the literature in individuals affected with LRP2-related conditions. This variant is not present in population databases (gnomAD no frequency). This sequence change replaces threonine, which is neutral and polar, with lysine, which is basic and polar, at codon 773 of the LRP2 protein (p.Thr773Lys).